The following is an entry in ClinVar:

NM_001267550.2(TTN):c.19377G>A (p.Val6459=)

Gene: TTN (titin; minus strand). Cytogenetic location: 2q31.2.
Variant type: single nucleotide variant.
Coding change: c.19377G>A on transcript NM_001267550.2 (MANE Select); coding-DNA position 19377, G replaced by A.
Protein change: p.Val6459=; no amino-acid change (valine 6459 retained).
Molecular consequence: synonymous variant. On other transcripts: intron variant (3).
Genome position (GRCh38, 1-based): chr2:178,728,549, C>T on the plus strand (G>A on the coding strand, the complement: TTN is on the minus strand). VCF-style: chr2-178728549-C-T. GRCh37 (hg19) VCF-style: chr2-179593276-C-T.
Other names: c.18426G>A, p.Val6142= (NM_001256850.1); c.15645G>A, p.Val5215= (NM_133378.4); c.13282+9533G>A (NM_003319.4); c.13858+9533G>A (NM_133437.4); c.13657+9533G>A (NM_133432.3).
Identifiers: ClinVar variation 892823 (VCV000892823.13), dbSNP rs371652207, ClinGen allele CA2001421.
Genomic context (GRCh38, chr2:178,728,549, plus strand): 5'-AAGATACAAACCTAGCACTCTTAAGTAGGCATCACAGCTACTGCTTCCGAAGTCATTTTC[C>T]ACCTTGAAAGTGTACTGACCGCTGTCCTGCTTCATTACTGACTGAATTCTAAAACTGGCC-3'
Protein context (NP_001254479.2, residues 6449-6469): KQDSGQYTFK[Val6459=]ENDFGSSSCD

ClinVar aggregate classification (germline): Conflicting classifications of pathogenicity. Review status: criteria provided, conflicting classifications (1 of 4 stars). 7 submissions from 3 submitters: Uncertain significance (5); Likely benign (2). Last evaluated 2026-03-26.

Conditions:
Myopathy, myofibrillar, 9, with early respiratory failure (MFM9). Also called: Myopathy, distal, with early respiratory failure, autosomal dominant; Hereditary myopathy with early respiratory failure; EDSTROM MYOPATHY; MYOPATHY, PROXIMAL, WITH EARLY RESPIRATORY MUSCLE INVOLVEMENT. Identifiers: Orphanet 178464, Orphanet 34521, MedGen C1863599, MONDO:0011362, OMIM 603689.
TTN-related disorder. Also called: TTN-related condition; TTN-related disease; TTN-related disorders.
Autosomal recessive limb-girdle muscular dystrophy type 2J (LGMDR10). Also called: MUSCULAR DYSTROPHY, LIMB-GIRDLE, AUTOSOMAL RECESSIVE 10; Limb-girdle muscular dystrophy, type 2J. Identifiers: Orphanet 140922, MedGen C1837342, MONDO:0012127, OMIM 608807.
Dilated cardiomyopathy 1G (CMD1G). Identifiers: Orphanet 154, MedGen C1858763, MONDO:0011400, OMIM 604145.
Tibial muscular dystrophy (TMD). Also called: UDD MYOPATHY; Udd Distal Myopathy – Tibial Muscular Dystrophy; Tibial muscular dystrophy, tardive. Identifiers: Orphanet 609, MedGen C1838244, MONDO:0010870, OMIM 600334.
Early-onset myopathy with fatal cardiomyopathy (CMYO5). Also called: CONGENITAL MYOPATHY 5 WITH CARDIOMYOPATHY; Salih Myopathy. Identifiers: Orphanet 289377, MedGen C2673677, MONDO:0012714, OMIM 611705. Disease mechanism: loss of function.

Allele frequency attached by ClinVar (database versions not stated): ExAC 0.00001; gnomAD exomes 0.00002 and 0.00007; gnomAD 0.00004; TOPMed 0.00004; ESP Exome Variant Server 0.00008.
gnomAD v4.1: 105 of 1,612,626 alleles (0.0065%); highest among the groups gnomAD compares: Non-Finnish European, 0.0086%; no homozygotes.

Submissions (7):

PreventionGenetics, part of Exact Sciences
Classification: Likely benign for TTN-related condition. Last evaluated: 2026-03-26. Review status: criteria provided, single submitter. Criteria: ACMG Guidelines, 2015. Collection method: clinical testing. Allele origin: germline.
Comment: This variant is classified as likely benign based on ACMG/AMP sequence variant interpretation guidelines (Richards et al. 2015 PMID: 25741868, with internal and published modifications).

Labcorp Genetics (formerly Invitae), Labcorp
Classification: Likely benign for Dilated cardiomyopathy 1G; Autosomal recessive limb-girdle muscular dystrophy type 2J. Last evaluated: 2025-10-15. Review status: criteria provided, single submitter. Criteria: Invitae Variant Classification Sherloc (09022015). Collection method: clinical testing. Allele origin: germline.

Illumina Laboratory Services, Illumina
Classification: Uncertain significance for Tibial muscular dystrophy. Last evaluated: 2018-01-12. Review status: criteria provided, single submitter. Criteria: ICSL Variant Classification Criteria 13 December 2019. Collection method: clinical testing. Allele origin: germline.

Illumina Laboratory Services, Illumina
Classification: Uncertain significance for Early-onset myopathy with fatal cardiomyopathy. Last evaluated: 2018-01-12. Review status: criteria provided, single submitter. Criteria: ICSL Variant Classification Criteria 13 December 2019. Collection method: clinical testing. Allele origin: germline.

Illumina Laboratory Services, Illumina
Classification: Uncertain significance for Myopathy, myofibrillar, 9, with early respiratory failure. Last evaluated: 2018-01-12. Review status: criteria provided, single submitter. Criteria: ICSL Variant Classification Criteria 13 December 2019. Collection method: clinical testing. Allele origin: germline.

Illumina Laboratory Services, Illumina
Classification: Uncertain significance for Autosomal recessive limb-girdle muscular dystrophy type 2J. Last evaluated: 2018-01-12. Review status: criteria provided, single submitter. Criteria: ICSL Variant Classification Criteria 13 December 2019. Collection method: clinical testing. Allele origin: germline.

Illumina Laboratory Services, Illumina
Classification: Uncertain significance for Dilated cardiomyopathy 1G. Last evaluated: 2018-01-12. Review status: criteria provided, single submitter. Criteria: ICSL Variant Classification Criteria 13 December 2019. Collection method: clinical testing. Allele origin: germline.